The following is an entry in ClinVar:

NM_000051.4(ATM):c.6825A>G (p.Ile2275Met)

Genes: C11orf65 (chromosome 11 open reading frame 65; minus strand), ATM (ATM serine/threonine kinase; plus strand). Cytogenetic location: 11q22.3.
Variant type: single nucleotide variant.
Coding change: c.6825A>G on transcript NM_000051.4 (MANE Select); coding-DNA position 6825, A replaced by G.
Protein change: p.Ile2275Met; replaces isoleucine 2275 with methionine.
Molecular consequence: missense variant. On other transcripts: intron variant (2).
Genome position (GRCh38, 1-based): chr11:108,326,075, A>G. VCF-style: chr11-108326075-A-G. GRCh37 (hg19) VCF-style: chr11-108196802-A-G.
Other names: c.6825A>G, p.Ile2275Met (NM_001351834.2); c.641-17004T>C (NM_001330368.2); c.*38+9145T>C (NM_001351110.2); short protein forms I2275M.
Identifiers: ClinVar variation 802781 (VCV000802781.7), dbSNP rs1591133274, ClinGen allele CA382556518.

ClinVar aggregate classification (germline): Uncertain significance. Review status: criteria provided, multiple submitters, no conflicts (2 of 4 stars). 2 submissions from 2 submitters: Uncertain significance (2). Last evaluated 2021-12-18.

Conditions:
Ataxia-telangiectasia syndrome (AT). Also called: ATAXIA-TELANGIECTASIA, COMPLEMENTATION GROUP A; ATAXIA-TELANGIECTASIA, FRESNO VARIANT; Ataxia-telangiectasia; Ataxia-telangiectasia, complementation group D; AT, COMPLEMENTATION GROUP C; Ataxia-telangiectasia, complementation group E. Identifiers: Orphanet 100, MedGen C0004135, MONDO:0008840, OMIM 208900.

Submissions (2):

Labcorp Genetics (formerly Invitae), Labcorp
Classification: Uncertain significance for Ataxia-telangiectasia syndrome. Last evaluated: 2021-12-18. Review status: criteria provided, single submitter. Criteria: Invitae Variant Classification Sherloc (09022015). Collection method: clinical testing. Allele origin: germline.
Comment: In summary, the available evidence is currently insufficient to determine the role of this variant in disease. Therefore, it has been classified as a Variant of Uncertain Significance. Advanced modeling of protein sequence and biophysical properties (such as structural, functional, and spatial information, amino acid conservation, physicochemical variation, residue mobility, and thermodynamic stability) performed at Invitae indicates that this missense variant is not expected to disrupt ATM protein function. ClinVar contains an entry for this variant (Variation ID: 802781). This variant has not been reported in the literature in individuals affected with ATM-related conditions. This variant is not present in population databases (gnomAD no frequency). This sequence change replaces isoleucine, which is neutral and non-polar, with methionine, which is neutral and non-polar, at codon 2275 of the ATM protein (p.Ile2275Met).

Mendelics
Classification: Uncertain significance for Ataxia-telangiectasia syndrome. Last evaluated: 2019-05-28. Review status: criteria provided, single submitter. Criteria: Mendelics Assertion Criteria 2017. Collection method: clinical testing. Allele origin: unknown.